The following is an entry in ClinVar:

ClinVar aggregate classification (germline): Uncertain significance (1 of 4 stars; one submission).

Conditions:
Charcot-Marie-Tooth disease axonal type 2O. Also called: CHARCOT-MARIE-TOOTH NEUROPATHY, AXONAL, TYPE 2O; Charcot-Marie-Tooth disease, axonal, type 20; CHARCOT-MARIE-TOOTH DISEASE, AXONAL, AUTOSOMAL DOMINANT, TYPE 2O; Charcot-Marie-Tooth Neuropathy Type 2O. Identifiers: Orphanet 284232, MedGen C3280220, MONDO:0013644, OMIM 614228.

Allele frequency attached by ClinVar (database versions not stated): ExAC 0.00001; gnomAD exomes 0.00001 and 0.00003.
gnomAD v4.1: 15 of 1,614,206 alleles (0.00093%); highest among the groups gnomAD compares: East Asian, 0.022%; no homozygotes.

Submission:

Labcorp Genetics (formerly Invitae), Labcorp
Classification: Uncertain significance for Charcot-Marie-Tooth disease axonal type 2O. Last evaluated: 2021-09-24. Review status: criteria provided, single submitter. Criteria: Invitae Variant Classification Sherloc (09022015). Collection method: clinical testing. Allele origin: germline.
Comment: This variant has not been reported in the literature in individuals affected with DYNC1H1-related conditions. This variant is present in population databases (rs763711252, ExAC 0.006%). This sequence change replaces glutamine with arginine at codon 1327 of the DYNC1H1 protein (p.Gln1327Arg). The glutamine residue is moderately conserved and there is a small physicochemical difference between glutamine and arginine. In summary, the available evidence is currently insufficient to determine the role of this variant in disease. Therefore, it has been classified as a Variant of Uncertain Significance. Algorithms developed to predict the effect of missense changes on protein structure and function (SIFT, PolyPhen-2, Align-GVGD) all suggest that this variant is likely to be tolerated.

NM_001376.5(DYNC1H1):c.3980A>G (p.Gln1327Arg)

Gene: DYNC1H1 (dynein cytoplasmic 1 heavy chain 1; plus strand). Cytogenetic location: 14q32.31.
Variant type: single nucleotide variant.
Coding change: c.3980A>G on transcript NM_001376.5 (MANE Select); coding-DNA position 3980, A replaced by G.
Protein change: p.Gln1327Arg; replaces glutamine 1327 with arginine.
Molecular consequence: missense variant.
Genome position (GRCh38, 1-based): chr14:102,000,305, A>G. VCF-style: chr14-102000305-A-G. GRCh37 (hg19) VCF-style: chr14-102466642-A-G.
Other names: short protein forms Q1327R.
Identifiers: ClinVar variation 566996 (VCV000566996.6), dbSNP rs763711252, ClinGen allele CA7352145.